The following is an entry in ClinVar:

ClinVar aggregate classification (germline): Uncertain significance. Review status: criteria provided, multiple submitters, no conflicts (2 of 4 stars). 2 submissions from 2 submitters: Uncertain significance (2). Last evaluated 2024-02-15.

Conditions:
Inborn genetic diseases. Identifiers: MedGen C0950123, MeSH D030342.

Allele frequency attached by ClinVar (database versions not stated): ExAC 0.00001; gnomAD 0.00001; gnomAD exomes 0.00001; 1000 Genomes Project 30x 0.00016; 1000 Genomes Project 0.00020.
gnomAD v4.1: 15 of 1,613,818 alleles (0.00093%); highest among the groups gnomAD compares: East Asian, 0.0089%; no homozygotes.

Submissions (2):

Labcorp Genetics (formerly Invitae), Labcorp
Classification: Uncertain significance. Last evaluated: 2024-02-15. Review status: criteria provided, single submitter. Criteria: Invitae Variant Classification Sherloc (09022015). Collection method: clinical testing. Allele origin: germline.
Comment: This sequence change replaces threonine, which is neutral and polar, with isoleucine, which is neutral and non-polar, at codon 841 of the DNA2 protein (p.Thr841Ile). The frequency data for this variant in the population databases is considered unreliable, as metrics indicate poor data quality at this position in the gnomAD database. This variant has not been reported in the literature in individuals affected with DNA2-related conditions. ClinVar contains an entry for this variant (Variation ID: 2243013). Advanced modeling of protein sequence and biophysical properties (such as structural, functional, and spatial information, amino acid conservation, physicochemical variation, residue mobility, and thermodynamic stability) performed at Invitae indicates that this missense variant is not expected to disrupt DNA2 protein function with a negative predictive value of 80%. In summary, the available evidence is currently insufficient to determine the role of this variant in disease. Therefore, it has been classified as a Variant of Uncertain Significance.

Ambry Genetics
Classification: Uncertain significance for Inborn genetic diseases. Last evaluated: 2021-08-12. Review status: criteria provided, single submitter. Criteria: Ambry Variant Classification Scheme 2023. Collection method: clinical testing. Allele origin: germline.

NM_001080449.3(DNA2):c.2522C>T (p.Thr841Ile)

Gene: DNA2 (DNA replication helicase/nuclease 2; minus strand). Cytogenetic location: 10q21.3.
Variant type: single nucleotide variant.
Coding change: c.2522C>T on transcript NM_001080449.3 (MANE Select); coding-DNA position 2522, C replaced by T.
Protein change: p.Thr841Ile; replaces threonine 841 with isoleucine.
Molecular consequence: missense variant. On other transcripts: non-coding transcript variant (1).
Genome position (GRCh38, 1-based): chr10:68,422,400, G>A on the plus strand (C>T on the coding strand, the complement: DNA2 is on the minus strand). VCF-style: chr10-68422400-G-A. GRCh37 (hg19) VCF-style: chr10-70182157-G-A.
Other names: short protein forms T841I.
Identifiers: ClinVar variation 2243013 (VCV002243013.5), dbSNP rs574169301, ClinGen allele CA5524788.